The following is an entry in ClinVar:

ClinVar aggregate classification (germline): Uncertain significance (1 of 4 stars; one submission).

Conditions:
Fanconi anemia (FA). Also called: Fanconi's anemia. Identifiers: Orphanet 84, MedGen C0015625, MeSH D005199, MONDO:0019391.

Submission:

Labcorp Genetics (formerly Invitae), Labcorp
Classification: Uncertain significance for Fanconi anemia. Last evaluated: 2022-04-15. Review status: criteria provided, single submitter. Criteria: Invitae Variant Classification Sherloc (09022015). Collection method: clinical testing. Allele origin: germline.
Comment: This sequence change replaces leucine, which is neutral and non-polar, with proline, which is neutral and non-polar, at codon 1358 of the FANCM protein (p.Leu1358Pro). This variant is not present in population databases (gnomAD no frequency). This variant has not been reported in the literature in individuals affected with FANCM-related conditions. Algorithms developed to predict the effect of missense changes on protein structure and function output the following: SIFT: "Tolerated"; PolyPhen-2: "Benign"; Align-GVGD: "Class C0". The proline amino acid residue is found in multiple mammalian species, which suggests that this missense change does not adversely affect protein function. In summary, the available evidence is currently insufficient to determine the role of this variant in disease. Therefore, it has been classified as a Variant of Uncertain Significance.

NM_020937.4(FANCM):c.4073T>C (p.Leu1358Pro)

Gene: FANCM (FA complementation group M; plus strand). Cytogenetic location: 14q21.2.
Variant type: single nucleotide variant.
Coding change: c.4073T>C on transcript NM_020937.4 (MANE Select); coding-DNA position 4073, T replaced by C.
Protein change: p.Leu1358Pro; replaces leucine 1358 with proline.
Molecular consequence: missense variant.
Genome position (GRCh38, 1-based): chr14:45,176,827, T>C. VCF-style: chr14-45176827-T-C. GRCh37 (hg19) VCF-style: chr14-45646030-T-C.
Other names: c.3995T>C, p.Leu1332Pro (NM_001308133.2); short protein forms L1358P, L1332P.
Identifiers: ClinVar variation 2079209 (VCV002079209.4), dbSNP rs2503196984, ClinGen allele CA389604191.